The following is an entry in ClinVar:

ClinVar aggregate classification (germline): Uncertain significance (1 of 4 stars; one submission).

gnomAD v4.1: 2 of 1,613,850 alleles (0.00012%); highest among the groups gnomAD compares: Non-Finnish European, 0.00017%; no homozygotes.

Submission:

GeneDx
Classification: Uncertain significance. Last evaluated: 2026-03-26. Review status: criteria provided, single submitter. Criteria: GeneDx Variant Classification Process June 2021. Collection method: clinical testing. Allele origin: germline.
Comment: Not observed at significant frequency in large population cohorts (gnomAD); In silico analysis supports that this missense variant has a deleterious effect on protein structure/function; Has not been previously published as pathogenic or benign to our knowledge

NM_018979.4(WNK1):c.1439A>G (p.Gln480Arg)

Gene: WNK1 (WNK lysine deficient protein kinase 1; plus strand). Cytogenetic location: 12p13.33.
Variant type: single nucleotide variant.
Coding change: c.1439A>G on transcript NM_018979.4 (MANE Select); coding-DNA position 1439, A replaced by G.
Protein change: p.Gln480Arg; replaces glutamine 480 with arginine.
Molecular consequence: missense variant.
Genome position (GRCh38, 1-based): chr12:859,283, A>G. VCF-style: chr12-859283-A-G. GRCh37 (hg19) VCF-style: chr12-968449-A-G.
Other names: c.1439A>G, p.Gln480Arg (NM_001184985.2, NM_014823.3, NM_213655.5); short protein forms Q480R.
Identifiers: ClinVar variation 5016911 (VCV005016911.1).